The following is an entry in ClinVar:

NM_004360.5(CDH1):c.1182C>T (p.Thr394=)

Gene: CDH1 (cadherin 1; plus strand). Cytogenetic location: 16q22.1.
Variant type: single nucleotide variant.
Coding change: c.1182C>T on transcript NM_004360.5 (MANE Select); coding-DNA position 1182, C replaced by T.
Protein change: p.Thr394=; no amino-acid change (threonine 394 retained).
Molecular consequence: synonymous variant. On other transcripts: 5 prime UTR variant (2), intron variant (1).
Genome position (GRCh38, 1-based): chr16:68,813,357, C>T. VCF-style: chr16-68813357-C-T. GRCh37 (hg19) VCF-style: chr16-68847260-C-T.
Other names: c.-434C>T (NM_001317185.2); c.-638C>T (NM_001317186.2); c.1137+1094C>T (NM_001317184.2).
Identifiers: ClinVar variation 2772873 (VCV002772873.4), dbSNP rs2152133380, ClinGen allele CA496392597.

ClinVar aggregate classification (germline): Benign/Likely benign. Review status: criteria provided, multiple submitters, no conflicts (2 of 4 stars). 2 submissions from 2 submitters: Benign (1); Likely benign (1). Last evaluated 2024-09-18.

Conditions:
Hereditary diffuse gastric adenocarcinoma (HDGC). Also called: DIFFUSE GASTRIC AND LOBULAR BREAST CANCER SYNDROME. Identifiers: Orphanet 26106, MedGen C1708349, MONDO:0007648, OMIM 137215.

Submissions (2):

Myriad Genetics, Inc.
Classification: Benign for Hereditary diffuse gastric adenocarcinoma. Last evaluated: 2024-09-18. Review status: criteria provided, single submitter. Criteria: Myriad Autosomal Dominant, Autosomal Recessive and X-Linked Classification Criteria (2023). Collection method: clinical testing. Allele origin: unknown.
Comment: This variant is considered benign. This variant is a silent/synonymous amino acid change and it is not expected to impact splicing.

Labcorp Genetics (formerly Invitae), Labcorp
Classification: Likely benign for Hereditary diffuse gastric adenocarcinoma. Last evaluated: 2023-10-30. Review status: criteria provided, single submitter. Criteria: Invitae Variant Classification Sherloc (09022015). Collection method: clinical testing. Allele origin: germline.